The following is an entry in ClinVar:

ClinVar aggregate classification (germline): Likely pathogenic (1 of 4 stars; one submission).

Conditions:
Retinoblastoma (RB1). Also called: RETINOBLASTOMA, SOMATIC. Identifiers: Orphanet 790, MedGen C0035335, MeSH D012175, MONDO:0008380, OMIM 180200, HP:0009919. Disease mechanism: loss of function. Inheritance: Both sporadic and heritable forms are tested..

Submission:

Labcorp Genetics (formerly Invitae), Labcorp
Classification: Likely pathogenic for Retinoblastoma. Last evaluated: 2023-05-25. Review status: criteria provided, single submitter. Criteria: Invitae Variant Classification Sherloc (09022015). Collection method: clinical testing. Allele origin: germline.
Comment: This sequence change falls in intron 17 of the RB1 gene. It does not directly change the encoded amino acid sequence of the RB1 protein. It affects a nucleotide within the consensus splice site. In summary, the currently available evidence indicates that the variant is pathogenic, but additional data are needed to prove that conclusively. Therefore, this variant has been classified as Likely Pathogenic. Variants that disrupt the consensus splice site are a relatively common cause of aberrant splicing (PMID: 17576681, 9536098). Algorithms developed to predict the effect of sequence changes on RNA splicing suggest that this variant may disrupt the consensus splice site. This variant is also known as g.78284G>A. This variant has been observed in individual(s) with retinoblastoma (PMID: 14722923; Invitae). This variant is not present in population databases (gnomAD no frequency).

Literature cited by the submitters: PubMed 17576681; PubMed 9536098; PubMed 14722923.

NM_000321.3(RB1):c.1695+5G>A

Gene: RB1 (RB transcriptional corepressor 1; plus strand). Cytogenetic location: 13q14.2.
Variant type: single nucleotide variant.
Coding change: c.1695+5G>A on transcript NM_000321.3 (MANE Select); 5 bases into the intron after coding-DNA position 1695, G replaced by A.
Molecular consequence: intron variant. On other transcripts: missense variant (1).
Genome position (GRCh38, 1-based): chr13:48,381,448, G>A. VCF-style: chr13-48381448-G-A. GRCh37 (hg19) VCF-style: chr13-48955584-G-A.
Other names: c.1700G>A, p.Ser567Asn (NM_001407166.1); c.1695+5G>A (NM_001407165.1); short protein forms S567N.
Identifiers: ClinVar variation 2736029 (VCV002736029.3), dbSNP rs2138145870, ClinGen allele CA2695218512.